The following is an entry in ClinVar:

NM_006231.4(POLE):c.4635C>T (p.Leu1545=)

Gene: POLE (DNA polymerase epsilon, catalytic subunit; minus strand). Cytogenetic location: 12q24.33.
Variant type: single nucleotide variant.
Coding change: c.4635C>T on transcript NM_006231.4 (MANE Select); coding-DNA position 4635, C replaced by T.
Protein change: p.Leu1545=; no amino-acid change (leucine 1545 retained).
Molecular consequence: synonymous variant.
Genome position (GRCh38, 1-based): chr12:132,642,913, G>A on the plus strand (C>T on the coding strand, the complement: POLE is on the minus strand). VCF-style: chr12-132642913-G-A. GRCh37 (hg19) VCF-style: chr12-133219499-G-A.
Identifiers: ClinVar variation 220635 (VCV000220635.32), dbSNP rs199945393, ClinGen allele CA348098.

ClinVar aggregate classification (germline): Likely benign. Review status: criteria provided, multiple submitters, no conflicts (2 of 4 stars). 9 submissions from 9 submitters: Likely benign (7). 2 of the submissions do not count toward it. Last evaluated 2026-01-16.

Conditions:
POLE-related disorder. Also called: POLE-related disorders; POLE-related condition.
Polymerase proofreading-related adenomatous polyposis. Also called: Polymerase proofreading associated polyposis; Polymerase proofreading–associated polyposis (PPAP). Identifiers: Orphanet 447877, MedGen C5202613, MONDO:0018653.
Hereditary cancer-predisposing syndrome. Also called: Neoplastic Syndromes, Hereditary; Hereditary Cancer Syndrome; Tumor predisposition; Hereditary neoplastic syndrome. Identifiers: Orphanet 140162, MedGen C0027672, MeSH D009386, MONDO:0015356.

Allele frequency attached by ClinVar (database versions not stated): ExAC 0.00003; TOPMed 0.00007.
gnomAD v4.1: 36 of 1,613,466 alleles (0.0022%); highest among the groups gnomAD compares: Non-Finnish European, 0.0027%; no homozygotes.

Submissions (9):

Labcorp Genetics (formerly Invitae), Labcorp
Classification: Likely benign. Last evaluated: 2026-01-16. Review status: criteria provided, single submitter. Criteria: Invitae Variant Classification Sherloc (09022015). Collection method: clinical testing. Allele origin: germline.

CeGaT Center for Human Genetics Tuebingen
Classification: Likely benign. Last evaluated: 2025-08-01. Review status: criteria provided, single submitter. Criteria: CeGaT Center For Human Genetics Tuebingen Variant Classification Criteria Version 2. Collection method: clinical testing. Allele origin: germline. Affected: yes. Observed: 1 variant allele.
Comment: POLE: BP4, BP7

Laboratory of Genetics, Children's Clinical University Hospital Latvia
Classification: Likely benign. Last evaluated: 2025-02-16. Review status: criteria provided, single submitter. Criteria: ACMG Guidelines, 2015. Collection method: clinical testing. Allele origin: germline. Affected: yes.

Sema4
Classification: Likely benign for Hereditary cancer-predisposing syndrome. Last evaluated: 2021-03-02. Review status: criteria provided, single submitter. Criteria: Sema4 Curation Guidelines. Collection method: curation. Allele origin: germline.

GeneDx
Classification: Likely benign. Last evaluated: 2020-01-16. Review status: criteria provided, single submitter. Criteria: GeneDx Variant Classification Process June 2021. Collection method: clinical testing. Allele origin: germline. Affected: yes.

Quest Diagnostics Nichols Institute San Juan Capistrano
Classification: Likely benign. Last evaluated: 2018-10-09. Review status: criteria provided, single submitter. Criteria: Quest Diagnostics criteria. Collection method: clinical testing. Allele origin: germline.

Ambry Genetics
Classification: Likely benign for Hereditary cancer-predisposing syndrome. Last evaluated: 2015-07-30. Review status: criteria provided, single submitter. Criteria: Ambry Variant Classification Scheme 2023. Collection method: clinical testing. Allele origin: germline.

PreventionGenetics, part of Exact Sciences
Classification: Likely benign for POLE-related condition. Last evaluated: 2020-01-20. Review status: no assertion criteria provided. Collection method: clinical testing. Allele origin: germline. Not counted in ClinVar's aggregate classification.
Comment: This variant is classified as likely benign based on ACMG/AMP sequence variant interpretation guidelines (Richards et al. 2015 PMID: 25741868, with internal and published modifications).

Department of Pathology and Laboratory Medicine, Sinai Health System
Classification: Likely benign for Polymerase proofreading-related adenomatous polyposis. Review status: no assertion criteria provided. Collection method: clinical testing. Allele origin: unknown. Affected: yes. Study: The Canadian Open Genetics Repository (COGR). Not counted in ClinVar's aggregate classification.
Comment: The POLE p.Leu1545= variant was not identified in the literature. The variant was identified in ClinVar (likely benign by Invitae, Ambry Genetics, and GeneDx). The variant was identified in control databases in 7 of 250574 chromosomes at a frequency of 0.00003 (Genome Aggregation Database Feb 27, 2017). The variant was observed in the following populations: European (non-Finnish) in 7 of 113258 chromosomes (freq: 0.00006), while the variant was not observed in the African, Latino, Ashkenazi Jewish, East Asian, Finnish, Other, or South Asian populations. The p.Leu1545= variant is not expected to have clinical significance because it does not result in a change of amino acid and is not located in a known consensus splice site. In addition, in silico or computational prediction software programs (SpliceSiteFinder, MaxEntScan, NNSPLICE, GeneSplicer) do not predict a difference in splicing. In summary, based on the above information the clinical significance of this variant cannot be determined with certainty at this time although we would lean towards a more benign role for this variant. This variant is classified as likely benign.